The following is an entry in ClinVar:

NM_013382.7(POMT2):c.1793G>A (p.Trp598Ter)

Gene: POMT2 (protein O-mannosyltransferase 2; minus strand). Cytogenetic location: 14q24.3.
Variant type: single nucleotide variant.
Coding change: c.1793G>A on transcript NM_013382.7 (MANE Select); coding-DNA position 1793, G replaced by A.
Protein change: p.Trp598Ter; replaces tryptophan 598 with a stop codon.
Molecular consequence: nonsense.
Genome position (GRCh38, 1-based): chr14:77,279,921, C>T on the plus strand (G>A on the coding strand, the complement: POMT2 is on the minus strand). VCF-style: chr14-77279921-C-T. GRCh37 (hg19) VCF-style: chr14-77746264-C-T.
Other names: short protein forms W598*.
Identifiers: ClinVar variation 631718 (VCV000631718.7), dbSNP rs1566644018, ClinGen allele CA390514887.

ClinVar aggregate classification (germline): Pathogenic (1 of 4 stars; one submission).

Conditions:
Muscular dystrophy-dystroglycanopathy (congenital with brain and eye anomalies), type A2. Also called: WALKER-WARBURG SYNDROME OR MUSCLE-EYE-BRAIN DISEASE, POMT2-RELATED; MUSCULAR DYSTROPHY-DYSTROGLYCANOPATHY (CONGENITAL WITH BRAIN AND EYE ANOMALIES), TYPE A, 2. Identifiers: Orphanet 588, Orphanet 899, MedGen C3150411, MONDO:0013154, OMIM 613150.
Muscular dystrophy-dystroglycanopathy (congenital with impaired intellectual development), type B, 2. Also called: Muscular dystrophy-dystroglycanopathy (congenital with intellectual disability), type B2; MUSCULAR DYSTROPHY, CONGENITAL, POMT2-RELATED. Identifiers: MedGen C3150416, MONDO:0013160, OMIM 613156.
Autosomal recessive limb-girdle muscular dystrophy type 2N. Also called: MUSCULAR DYSTROPHY-DYSTROGLYCANOPATHY, LIMB-GIRDLE, POMT2-RELATED; Muscular dystrophy-dystroglycanopathy (limb-girdle), type C, 2. Identifiers: Orphanet 206559, MedGen C3150418, MONDO:0013162, OMIM 613158.

Allele frequency attached by ClinVar (database versions not stated): gnomAD exomes below 0.00001; TOPMed below 0.00001.

Submission:

Labcorp Genetics (formerly Invitae), Labcorp
Classification: Pathogenic for Muscular dystrophy-dystroglycanopathy (congenital with impaired intellectual development), type B, 2; Muscular dystrophy-dystroglycanopathy (congenital with brain and eye anomalies), type A2; Autosomal recessive limb-girdle muscular dystrophy type 2N. Last evaluated: 2023-03-28. Review status: criteria provided, single submitter. Criteria: Invitae Variant Classification Sherloc (09022015). Collection method: clinical testing. Allele origin: germline.
Comment: For these reasons, this variant has been classified as Pathogenic. ClinVar contains an entry for this variant (Variation ID: 631718). This variant has not been reported in the literature in individuals affected with POMT2-related conditions. This variant is not present in population databases (gnomAD no frequency). This sequence change creates a premature translational stop signal (p.Trp598*) in the POMT2 gene. It is expected to result in an absent or disrupted protein product. Loss-of-function variants in POMT2 are known to be pathogenic (PMID: 15894594).

Literature cited by the submitters: PubMed 15894594.